The following is an entry in ClinVar:

ClinVar aggregate classification (germline): Uncertain significance. Review status: criteria provided, multiple submitters, no conflicts (2 of 4 stars). 4 submissions from 4 submitters: Uncertain significance (3). 1 of the submissions does not count toward it. Last evaluated 2024-11-18.

Conditions:
OTOF-related disorder. Also called: OTOF-related condition.

Allele frequency attached by ClinVar (database versions not stated): gnomAD 0.00013 and 0.00014; TOPMed 0.00014; ESP Exome Variant Server 0.00023.
gnomAD v4.1: 408 of 1,611,336 alleles (0.025%); highest among the groups gnomAD compares: Non-Finnish European, 0.031%; no homozygotes.

Submissions (4):

GeneDx
Classification: Uncertain significance. Last evaluated: 2024-11-18. Review status: criteria provided, single submitter. Criteria: GeneDx Variant Classification Process June 2021. Collection method: clinical testing. Allele origin: germline. Affected: yes.
Comment: In silico analysis supports that this missense variant has a deleterious effect on protein structure/function; Has not been previously published as pathogenic or benign to our knowledge

Blueprint Genetics
Classification: Uncertain significance. Last evaluated: 2021-11-15. Review status: criteria provided, single submitter. Criteria: ACMG Guidelines, 2015. Collection method: clinical testing. Allele origin: germline.

Eurofins Ntd Llc (ga)
Classification: Uncertain significance. Last evaluated: 2014-11-21. Review status: criteria provided, single submitter. Criteria: EGL Classification Definitions 2015. Collection method: clinical testing. Allele origin: germline. Observed: 1 variant allele, 1 heterozygote.

PreventionGenetics, part of Exact Sciences
Classification: Uncertain significance for OTOF-related condition. Last evaluated: 2024-05-06. Review status: no assertion criteria provided. Collection method: clinical testing. Allele origin: germline. Not counted in ClinVar's aggregate classification.
Comment: The OTOF c.2575C>T variant is predicted to result in the amino acid substitution p.Arg859Cys. To our knowledge, this variant has not been reported in the literature. This variant is reported in 0.017% of alleles in individuals of European (Non-Finnish) descent in gnomAD. At this time, the clinical significance of this variant is uncertain due to the absence of conclusive functional and genetic evidence.

NM_194248.3(OTOF):c.2575C>T (p.Arg859Cys)

Gene: OTOF (otoferlin; minus strand). Cytogenetic location: 2p23.3.
Variant type: single nucleotide variant.
Coding change: c.2575C>T on transcript NM_194248.3 (MANE Select); coding-DNA position 2575, C replaced by T.
Protein change: p.Arg859Cys; replaces arginine 859 with cysteine.
Molecular consequence: missense variant.
Genome position (GRCh38, 1-based): chr2:26,476,992, G>A on the plus strand (C>T on the coding strand, the complement: OTOF is on the minus strand). VCF-style: chr2-26476992-G-A. GRCh37 (hg19) VCF-style: chr2-26699860-G-A.
Other names: c.2575C>T, p.Arg859Cys (NM_001287489.2); c.334C>T, p.Arg112Cys (NM_004802.4, NM_194323.3); c.505C>T, p.Arg169Cys (NM_194322.3); short protein forms R859C, R169C, R112C.
Identifiers: ClinVar variation 195704 (VCV000195704.12), dbSNP rs199603169, ClinGen allele CA242239.